The following is an entry in ClinVar:

NM_000081.4(LYST):c.5923-2A>G

Gene: LYST (lysosomal trafficking regulator; minus strand). Cytogenetic location: 1q42.3.
Variant type: single nucleotide variant.
Coding change: c.5923-2A>G on transcript NM_000081.4 (MANE Select); the canonical splice acceptor site of the intron before coding-DNA position 5923, A replaced by G.
Molecular consequence: splice acceptor variant.
Genome position (GRCh38, 1-based): chr1:235,766,279, T>C on the plus strand (A>G on the coding strand, the complement: LYST is on the minus strand). VCF-style: chr1-235766279-T-C. GRCh37 (hg19) VCF-style: chr1-235929579-T-C.
Other names: c.5923-2A>G (NM_001301365.1).
Identifiers: ClinVar variation 2751626 (VCV002751626.3), dbSNP rs2527888357, ClinGen allele CA344948378.
Genomic context (GRCh38, chr1:235,766,279, plus strand): 5'-TTCACAAATGATCTACAAACCTCTCGGGGCATGGGTGTGAGTTGCCCCTCTTTGTATTCC[T>C]GAAAAAATAAAAAAAACTCTCTTTAGATTTAAAGAATTGTCAACTTAACTAAGATTTTTC-3'

ClinVar aggregate classification (germline): Likely pathogenic (1 of 4 stars; one submission).

Conditions:
Chédiak-Higashi syndrome (CHS). Also called: Chediak-Higashi Syndrome. Identifiers: Orphanet 167, MedGen C0007965, MONDO:0008963, OMIM 214500.

Submission:

Labcorp Genetics (formerly Invitae), Labcorp
Classification: Likely pathogenic for Chédiak-Higashi syndrome. Last evaluated: 2023-08-10. Review status: criteria provided, single submitter. Criteria: Invitae Variant Classification Sherloc (09022015). Collection method: clinical testing. Allele origin: germline.
Comment: This variant is not present in population databases (gnomAD no frequency). This sequence change affects an acceptor splice site in intron 20 of the LYST gene. It is expected to disrupt RNA splicing. Variants that disrupt the donor or acceptor splice site typically lead to a loss of protein function (PMID: 16199547), and loss-of-function variants in LYST are known to be pathogenic (PMID: 9215679, 11857544). This variant has not been reported in the literature in individuals affected with LYST-related conditions. In summary, the currently available evidence indicates that the variant is pathogenic, but additional data are needed to prove that conclusively. Therefore, this variant has been classified as Likely Pathogenic. Algorithms developed to predict the effect of sequence changes on RNA splicing suggest that this variant may disrupt the consensus splice site.

Literature cited by the submitters: PubMed 16199547; PubMed 9215679; PubMed 11857544.